The following is an entry in ClinVar:

ClinVar aggregate classification (germline): Uncertain significance. Review status: criteria provided, multiple submitters, no conflicts (2 of 4 stars). 2 submissions from 2 submitters: Uncertain significance (2). Last evaluated 2023-05-25.

Conditions:
Cardiovascular phenotype. Identifiers: MedGen CN230736.

Submissions (2):

GeneDx
Classification: Uncertain significance. Last evaluated: 2023-05-25. Review status: criteria provided, single submitter. Criteria: GeneDx Variant Classification Process June 2021. Collection method: clinical testing. Allele origin: germline. Affected: yes.
Comment: Not observed at significant frequency in large population cohorts (gnomAD); In silico analysis supports that this missense variant does not alter protein structure/function; Has not been previously published as pathogenic or benign to our knowledge

Ambry Genetics
Classification: Uncertain significance for Cardiovascular phenotype. Last evaluated: 2022-08-10. Review status: criteria provided, single submitter. Criteria: Ambry Variant Classification Scheme 2023. Collection method: clinical testing. Allele origin: germline.
Comment: The p.G385C variant (also known as c.1153G>T), located in coding exon 8 of the TBX20 gene, results from a G to T substitution at nucleotide position 1153. The glycine at codon 385 is replaced by cysteine, an amino acid with highly dissimilar properties. This amino acid position is conserved. In addition, the in silico prediction for this alteration is inconclusive. Since supporting evidence is limited at this time, the clinical significance of this alteration remains unclear.

NM_001077653.2(TBX20):c.1153G>T (p.Gly385Cys)

Gene: TBX20 (T-box transcription factor 20; minus strand). Cytogenetic location: 7p14.2.
Variant type: single nucleotide variant.
Coding change: c.1153G>T on transcript NM_001077653.2 (MANE Select); coding-DNA position 1153, G replaced by T.
Protein change: p.Gly385Cys; replaces glycine 385 with cysteine.
Molecular consequence: missense variant.
Genome position (GRCh38, 1-based): chr7:35,202,621, C>A on the plus strand (G>T on the coding strand, the complement: TBX20 is on the minus strand). VCF-style: chr7-35202621-C-A. GRCh37 (hg19) VCF-style: chr7-35242233-C-A.
Other names: short protein forms G385C.
Identifiers: ClinVar variation 1734746 (VCV001734746.3), dbSNP rs2546980932, ClinGen allele CA367263099.
Genomic context (GRCh38, chr7:35,202,621, plus strand): 5'-AGCTGGCAATGGCCGATGGTGTCAGAGGCATTCCCAGTCGGCTATATGGTGGCAGAGAAC[C>A]CTGGATGGGGTGAGGAATGGGTGTTGCTATGGATGCTGTGCTGGTGCCAAGAGCAGTCAG-3'
Protein context (NP_001071121.1, residues 375-395): IATPIPHPIQ[Gly385Cys]SLPPYSRLGM